The following is an entry in ClinVar:

NM_012470.4(TNPO3):c.574G>C (p.Gly192Arg)

Gene: TNPO3 (transportin 3; minus strand). Cytogenetic location: 7q32.1.
Variant type: single nucleotide variant.
Coding change: c.574G>C on transcript NM_012470.4 (MANE Select); coding-DNA position 574, G replaced by C.
Protein change: p.Gly192Arg; replaces glycine 192 with arginine.
Molecular consequence: missense variant. On other transcripts: non-coding transcript variant (18), intron variant (1).
Genome position (GRCh38, 1-based): chr7:129,005,138, C>G on the plus strand (G>C on the coding strand, the complement: TNPO3 is on the minus strand). VCF-style: chr7-129005138-C-G. GRCh37 (hg19) VCF-style: chr7-128645192-C-G.
Other names: c.574G>C, p.Gly192Arg (NM_001191028.3, NM_001382216.1, NM_001382218.1 and 4 more transcripts); c.655G>C, p.Gly219Arg (NM_001382217.1); c.553-3904G>C (NM_001382221.1); short protein forms G192R, G219R.
Identifiers: ClinVar variation 290520 (VCV000290520.55), dbSNP rs770701668, ClinGen allele CA4478360.
Genomic context (GRCh38, chr7:129,005,138, plus strand): 5'-CCAAGTTAAACCAACTTCCCAAACAGCGAAAAACCTTCATAAGCATTTTCTCATCTGTTC[C>G]TGCTTTTTCTACACAGGTCATCTGAATAGAGAAAAAAACTTAAAATGAATAATGTTAATC-3'
Protein context (NP_036602.1, residues 182-202): SLLMTCVEKA[Gly192Arg]TDEKMLMKVF

ClinVar aggregate classification (germline): Uncertain significance. Review status: criteria provided, multiple submitters, no conflicts (2 of 4 stars). 4 submissions from 4 submitters: Uncertain significance (4). Last evaluated 2025-10-27.

Conditions:
Inborn genetic diseases. Identifiers: MedGen C0950123, MeSH D030342.
Autosomal dominant limb-girdle muscular dystrophy type 1F (LGMDD2). Also called: MUSCULAR DYSTROPHY, LIMB-GIRDLE, AUTOSOMAL DOMINANT 2; Limb-girdle muscular dystrophy, type 1F. Identifiers: Orphanet 55595, MedGen C1842062, MONDO:0012034, OMIM 608423.

Allele frequency attached by ClinVar (database versions not stated): TOPMed 0.00002; ExAC 0.00003; gnomAD 0.00003; gnomAD exomes 0.00004.
gnomAD v4.1: 81 of 1,613,656 alleles (0.005%); highest among the groups gnomAD compares: Non-Finnish European, 0.0067%; no homozygotes.

Submissions (4):

Labcorp Genetics (formerly Invitae), Labcorp
Classification: Uncertain significance for Autosomal dominant limb-girdle muscular dystrophy type 1F. Last evaluated: 2025-10-27. Review status: criteria provided, single submitter. Criteria: Invitae Variant Classification Sherloc (09022015). Collection method: clinical testing. Allele origin: germline.
Comment: This sequence change replaces glycine, which is neutral and non-polar, with arginine, which is basic and polar, at codon 192 of the TNPO3 protein (p.Gly192Arg). This variant is present in population databases (rs770701668, gnomAD 0.01%). This variant has not been reported in the literature in individuals affected with TNPO3-related conditions. ClinVar contains an entry for this variant (Variation ID: 290520). Invitae Evidence Modeling of protein sequence and biophysical properties (such as structural, functional, and spatial information, amino acid conservation, physicochemical variation, residue mobility, and thermodynamic stability) indicates that this missense variant is not expected to disrupt TNPO3 protein function with a negative predictive value of 80%. In summary, the available evidence is currently insufficient to determine the role of this variant in disease. Therefore, it has been classified as a Variant of Uncertain Significance.

Ambry Genetics
Classification: Uncertain significance for Inborn genetic diseases. Last evaluated: 2024-11-29. Review status: criteria provided, single submitter. Criteria: Ambry Variant Classification Scheme 2023. Collection method: clinical testing. Allele origin: germline.

CeGaT Center for Human Genetics Tuebingen
Classification: Uncertain significance. Last evaluated: 2019-09-01. Review status: criteria provided, single submitter. Criteria: CeGaT Center For Human Genetics Tuebingen Variant Classification Criteria Version 2. Collection method: clinical testing. Allele origin: germline. Affected: yes. Observed: 1 variant allele.

Eurofins Ntd Llc (ga)
Classification: Uncertain significance. Last evaluated: 2016-09-26. Review status: criteria provided, single submitter. Criteria: EGL Classification Definitions 2015. Collection method: clinical testing. Allele origin: germline. Observed: 1 variant allele, 1 heterozygote.